The following is an entry in ClinVar:

ClinVar aggregate classification (germline): Likely benign (1 of 4 stars; one submission).

Conditions:
PRX-related disorder. Also called: PRX-related condition; PRX-Related Disorders.

Submission:

PreventionGenetics, part of Exact Sciences
Classification: Likely benign for PRX-related condition. Last evaluated: 2025-10-14. Review status: criteria provided, single submitter. Criteria: ACMG Guidelines, 2015. Collection method: clinical testing. Allele origin: germline.
Comment: This variant is classified as likely benign based on ACMG/AMP sequence variant interpretation guidelines (Richards et al. 2015 PMID: 25741868, with internal and published modifications).

NM_181882.3(PRX):c.381+48G>C

Gene: PRX (periaxin; minus strand). Cytogenetic location: 19q13.2.
Variant type: single nucleotide variant.
Coding change: c.381+48G>C on transcript NM_181882.3 (MANE Select); 48 bases into the intron after coding-DNA position 381, G replaced by C.
Molecular consequence: intron variant. On other transcripts: synonymous variant (1).
Genome position (GRCh38, 1-based): chr19:40,398,572, C>G on the plus strand (G>C on the coding strand, the complement: PRX is on the minus strand). VCF-style: chr19-40398572-C-G. GRCh37 (hg19) VCF-style: chr19-40904479-C-G.
Other names: c.429G>C, p.Pro143= (NM_020956.2); c.666+48G>C (NM_001411127.1).
Identifiers: ClinVar variation 4982287 (VCV004982287.1).